The following is an entry in ClinVar:

ClinVar aggregate classification (germline): Uncertain significance. Review status: criteria provided, multiple submitters, no conflicts (2 of 4 stars). 2 submissions from 2 submitters: Uncertain significance (2). Last evaluated 2026-01-05.

Conditions:
Inborn genetic diseases. Identifiers: MedGen C0950123, MeSH D030342.

Allele frequency attached by ClinVar (database versions not stated): gnomAD exomes below 0.00001 and 0.00001; gnomAD 0.00001; TOPMed 0.00001.
gnomAD v4.1: 8 of 1,613,522 alleles (0.0005%); highest among the groups gnomAD compares: South Asian, 0.0022%; no homozygotes.

Submissions (2):

Labcorp Genetics (formerly Invitae), Labcorp
Classification: Uncertain significance. Last evaluated: 2026-01-05. Review status: criteria provided, single submitter. Criteria: Invitae Variant Classification Sherloc (09022015). Collection method: clinical testing. Allele origin: germline.
Comment: This sequence change replaces glutamic acid, which is acidic and polar, with lysine, which is basic and polar, at codon 1806 of the RP1 protein (p.Glu1806Lys). This variant is present in population databases (no rsID available, gnomAD 0.0009%). This variant has not been reported in the literature in individuals affected with RP1-related conditions. ClinVar contains an entry for this variant (Variation ID: 1395394). An algorithm developed to predict the effect of missense changes on protein structure and function (PolyPhen-2) suggests that this variant is likely to be disruptive. In summary, the available evidence is currently insufficient to determine the role of this variant in disease. Therefore, it has been classified as a Variant of Uncertain Significance.

Ambry Genetics
Classification: Uncertain significance for Inborn genetic diseases. Last evaluated: 2025-08-30. Review status: criteria provided, single submitter. Criteria: Ambry Variant Classification Scheme 2023. Collection method: clinical testing. Allele origin: germline.

NM_006269.2(RP1):c.5416G>A (p.Glu1806Lys)

Genes: RP1 (RP1 axonemal microtubule associated; plus strand), LOC126860392 (CDK7 strongly-dependent group 2 enhancer GRCh37_chr8:55541319-55542518; plus strand). Cytogenetic location: 8q12.1.
Variant type: single nucleotide variant.
Coding change: c.5416G>A on transcript NM_006269.2 (MANE Select); coding-DNA position 5416, G replaced by A.
Protein change: p.Glu1806Lys; replaces glutamic acid 1806 with lysine.
Molecular consequence: missense variant. On other transcripts: intron variant (1).
Genome position (GRCh38, 1-based): chr8:54,629,298, G>A. VCF-style: chr8-54629298-G-A. GRCh37 (hg19) VCF-style: chr8-55541858-G-A.
Other names: c.787+7010G>A (NM_001375654.1); c.5416G>A (NM_006269.1); short protein forms E1806K.
Identifiers: ClinVar variation 1395394 (VCV001395394.7), dbSNP rs1230679083, ClinGen allele CA370986219.
Genomic context (GRCh38, chr8:54,629,298, plus strand): 5'-TCACATTTTGGTAATTTGGCCCCAGGCCCAACGATGGATGAACTCTCCTCTTCAGAACTC[G>A]AGGAACTGACTCAACCCCTTGAACTAAAATGCAATTACTTTAACATGCCTCATGGTAGTG-3'
Protein context (NP_006260.1, residues 1796-1816): TMDELSSSEL[Glu1806Lys]ELTQPLELKC